The following is an entry in ClinVar:

NM_000069.3(CACNA1S):c.2190T>A (p.Asn730Lys)

Gene: CACNA1S (calcium voltage-gated channel subunit alpha1 S; minus strand). Cytogenetic location: 1q32.1.
Variant type: single nucleotide variant.
Coding change: c.2190T>A on transcript NM_000069.3 (MANE Select); coding-DNA position 2190, T replaced by A.
Protein change: p.Asn730Lys; replaces asparagine 730 with lysine.
Molecular consequence: missense variant.
Genome position (GRCh38, 1-based): chr1:201,072,792, A>T on the plus strand (T>A on the coding strand, the complement: CACNA1S is on the minus strand). VCF-style: chr1-201072792-A-T. GRCh37 (hg19) VCF-style: chr1-201041920-A-T.
Other names: short protein forms N730K.
Identifiers: ClinVar variation 3386357 (VCV003386357.1).

ClinVar aggregate classification (germline): Uncertain significance (1 of 4 stars; one submission).

Conditions:
Malignant hyperthermia, susceptibility to, 5 (MHS5). Also called: CACNA1S-Related Malignant Hyperthermia Susceptibility. Identifiers: Orphanet 423, MedGen C1866077, MONDO:0011163, OMIM 601887.

Submission:

All of Us Research Program, National Institutes of Health
Classification: Uncertain significance for Malignant hyperthermia, susceptibility to, 5. Last evaluated: 2024-08-06. Review status: criteria provided, single submitter. Criteria: ACMG Guidelines, 2015. Collection method: clinical testing. Allele origin: germline. Inheritance: Autosomal dominant inheritance. Observed: 1 variant allele, 1 heterozygote.
Comment: This study involves interpretation of variants in research participants for the purpose of population health screening. Participant phenotype was not available at the time of variant classification. Additional details can be found in publication PMID: 35346344, PMCID: PMC8962531